The following is an entry in ClinVar:

NM_001572.5(IRF7):c.1406G>A (p.Gly469Asp)

Gene: IRF7 (interferon regulatory factor 7; minus strand). Cytogenetic location: 11p15.5.
Variant type: single nucleotide variant.
Coding change: c.1406G>A on transcript NM_001572.5 (MANE Select); coding-DNA position 1406, G replaced by A.
Protein change: p.Gly469Asp; replaces glycine 469 with aspartic acid.
Molecular consequence: missense variant.
Genome position (GRCh38, 1-based): chr11:612,751, C>T on the plus strand (G>A on the coding strand, the complement: IRF7 is on the minus strand). VCF-style: chr11-612751-C-T. GRCh37 (hg19) VCF-style: chr11-612751-C-T.
Other names: c.1319G>A, p.Gly440Asp (NM_004029.4); c.1445G>A, p.Gly482Asp (NM_004031.4); short protein forms G469D, G482D, G440D.
Identifiers: ClinVar variation 845349 (VCV000845349.10), dbSNP rs752030532, ClinGen allele CA5783447.

ClinVar aggregate classification (germline): Uncertain significance. Review status: criteria provided, multiple submitters, no conflicts (2 of 4 stars). 2 submissions from 2 submitters: Uncertain significance (2). Last evaluated 2025-11-24.

Conditions:
Immunodeficiency 39 (IMD39). Identifiers: Orphanet 574918, MedGen C4225358, MONDO:0014597, OMIM 616345.

Allele frequency attached by ClinVar (database versions not stated): ExAC 0.00003; gnomAD 0.00003; gnomAD exomes 0.00003 and 0.00006; TOPMed 0.00003.

Submissions (2):

Ambry Genetics
Classification: Uncertain significance. Last evaluated: 2025-11-24. Review status: criteria provided, single submitter. Criteria: Ambry Variant Classification Scheme 2023. Collection method: clinical testing. Allele origin: germline.

Labcorp Genetics (formerly Invitae), Labcorp
Classification: Uncertain significance for Immunodeficiency 39. Last evaluated: 2025-09-23. Review status: criteria provided, single submitter. Criteria: Invitae Variant Classification Sherloc (09022015). Collection method: clinical testing. Allele origin: germline.
Comment: This sequence change replaces glycine, which is neutral and non-polar, with aspartic acid, which is acidic and polar, at codon 482 of the IRF7 protein (p.Gly482Asp). This variant is present in population databases (rs752030532, gnomAD 0.006%). This variant has not been reported in the literature in individuals affected with IRF7-related conditions. ClinVar contains an entry for this variant (Variation ID: 845349). Invitae Evidence Modeling of protein sequence and biophysical properties (such as structural, functional, and spatial information, amino acid conservation, physicochemical variation, residue mobility, and thermodynamic stability) indicates that this missense variant is expected to disrupt IRF7 protein function with a positive predictive value of 80%. In summary, the available evidence is currently insufficient to determine the role of this variant in disease. Therefore, it has been classified as a Variant of Uncertain Significance.